The following is an entry in ClinVar:

ClinVar aggregate classification (germline): Uncertain significance (1 of 4 stars; one submission).

Conditions:
Neuroblastoma, susceptibility to, 3. Also called: ALK-Related Neuroblastic Tumor Susceptibility. Identifiers: Orphanet 635, MedGen C2751681, MONDO:0013083, OMIM 613014.

Submission:

Labcorp Genetics (formerly Invitae), Labcorp
Classification: Uncertain significance for Neuroblastoma, susceptibility to, 3. Last evaluated: 2025-11-10. Review status: criteria provided, single submitter. Criteria: Invitae Variant Classification Sherloc (09022015). Collection method: clinical testing. Allele origin: germline.
Comment: This sequence change replaces serine, which is neutral and polar, with alanine, which is neutral and non-polar, at codon 1560 of the ALK protein (p.Ser1560Ala). This variant is not present in population databases (gnomAD no frequency). This variant has not been reported in the literature in individuals affected with ALK-related conditions. ClinVar contains an entry for this variant (Variation ID: 2756903). An algorithm developed to predict the effect of missense changes on protein structure and function (PolyPhen-2) suggests that this variant is likely to be tolerated. In summary, the available evidence is currently insufficient to determine the role of this variant in disease. Therefore, it has been classified as a Variant of Uncertain Significance.

NM_004304.5(ALK):c.4678T>G (p.Ser1560Ala)

Gene: ALK (ALK receptor tyrosine kinase; minus strand). Cytogenetic location: 2p23.2.
Variant type: single nucleotide variant.
Coding change: c.4678T>G on transcript NM_004304.5 (MANE Select); coding-DNA position 4678, T replaced by G.
Protein change: p.Ser1560Ala; replaces serine 1560 with alanine.
Molecular consequence: missense variant.
Genome position (GRCh38, 1-based): chr2:29,193,409, A>C on the plus strand (T>G on the coding strand, the complement: ALK is on the minus strand). VCF-style: chr2-29193409-A-C. GRCh37 (hg19) VCF-style: chr2-29416275-A-C.
Other names: c.1474T>G, p.Ser492Ala (NM_001353765.2); short protein forms S492A, S1560A.
Identifiers: ClinVar variation 2756903 (VCV002756903.3), dbSNP rs753622072, ClinGen allele CA346460473.
Genomic context (GRCh38, chr2:29,193,409, plus strand): 5'-CACAAGGGAAGTGACGTAGCCTGAACAGAGGTACCTCCTTCATATTGGCAGTCAGCGAAG[A>C]GGGCTCTAGGAGCAGTGAGGCCCCCGGAAGTCTCCCAGTTGCAACGTTAGGTGGGACAGT-3'
Protein context (NP_004295.2, residues 1550-1570): LPGASLLLEP[Ser1560Ala]SLTANMKEVP